The following is an entry in ClinVar:

ClinVar aggregate classification (germline): Uncertain significance (1 of 4 stars; one submission).

Allele frequency attached by ClinVar (database versions not stated): gnomAD exomes 0.00003; ExAC 0.00009; gnomAD 0.00029; TOPMed 0.00035; ESP Exome Variant Server 0.00046.

Submission:

Ambry Genetics
Classification: Uncertain significance. Last evaluated: 2019-08-29. Review status: criteria provided, single submitter. Criteria: Ambry Variant Classification Scheme 2023. Collection method: clinical testing. Allele origin: germline.
Comment: The c.674-3T>C intronic variant results from a T to C substitution 3 nucleotides upstream from coding exon 9 in the KATNAL2 gene. This nucleotide position is not well conserved in available vertebrate species. Using the BDGP and ESEfinder splice site prediction tools, this alteration is not predicted to have any significant effect on this splice acceptor site; however, direct evidence is unavailable. Since supporting evidence is limited at this time, the clinical significance of this alteration remains unclear.

NM_001387690.1(KATNAL2):c.890-3T>C

Gene: KATNAL2 (katanin catalytic subunit A1 like 2; plus strand). Cytogenetic location: 18q21.1.
Variant type: single nucleotide variant.
Coding change: c.890-3T>C on transcript NM_001387690.1 (MANE Select); 3 bases into the intron before coding-DNA position 890, T replaced by C.
Molecular consequence: intron variant.
Genome position (GRCh38, 1-based): chr18:47,069,479, T>C. VCF-style: chr18-47069479-T-C. GRCh37 (hg19) VCF-style: chr18-44595850-T-C.
Other names: c.458-3T>C (NM_001353904.1, NM_001353909.1, NM_001353908.1); c.968-3T>C (NM_001353899.1); c.965-3T>C (NM_001353900.1); c.557-3T>C (NM_001353903.1, NM_001353907.1, NM_001353905.1 and 1 more transcripts); c.890-3T>C (NM_001353901.1, NM_001367621.1); c.869-3T>C (NM_001353902.1); c.674-3T>C (NM_031303.3).
Identifiers: ClinVar variation 1755200 (VCV001755200.2), dbSNP rs374308497, ClinGen allele CA8955141.